The following is an entry in ClinVar:

ClinVar aggregate classification (germline): Uncertain significance (1 of 4 stars; one submission).

Submission:

Labcorp Genetics (formerly Invitae), Labcorp
Classification: Uncertain significance. Last evaluated: 2024-12-24. Review status: criteria provided, single submitter. Criteria: Invitae Variant Classification Sherloc (09022015). Collection method: clinical testing. Allele origin: germline.
Comment: This sequence change replaces serine, which is neutral and polar, with asparagine, which is neutral and polar, at codon 2999 of the CPLANE1 protein (p.Ser2999Asn). This variant is not present in population databases (gnomAD no frequency). This variant has not been reported in the literature in individuals affected with CPLANE1-related conditions. Invitae Evidence Modeling of protein sequence and biophysical properties (such as structural, functional, and spatial information, amino acid conservation, physicochemical variation, residue mobility, and thermodynamic stability) indicates that this missense variant is not expected to disrupt CPLANE1 protein function with a negative predictive value of 95%. In summary, the available evidence is currently insufficient to determine the role of this variant in disease. Therefore, it has been classified as a Variant of Uncertain Significance.

NM_001384732.1(CPLANE1):c.9158G>A (p.Ser3053Asn)

Gene: CPLANE1 (ciliogenesis and planar polarity effector complex subunit 1; minus strand). Cytogenetic location: 5p13.2.
Variant type: single nucleotide variant.
Coding change: c.9158G>A on transcript NM_001384732.1 (MANE Select); coding-DNA position 9158, G replaced by A.
Protein change: p.Ser3053Asn; replaces serine 3053 with asparagine.
Molecular consequence: missense variant.
Genome position (GRCh38, 1-based): chr5:37,121,644, C>T on the plus strand (G>A on the coding strand, the complement: CPLANE1 is on the minus strand). VCF-style: chr5-37121644-C-T. GRCh37 (hg19) VCF-style: chr5-37121746-C-T.
Other names: c.8996G>A, p.Ser2999Asn (NM_023073.4); short protein forms S2999N, S3053N.
Identifiers: ClinVar variation 3604300 (VCV003604300.2).